The following is an entry in ClinVar:

ClinVar aggregate classification (germline): Uncertain significance (1 of 4 stars; one submission).

Conditions:
Inborn genetic diseases. Identifiers: MedGen C0950123, MeSH D030342.

Submission:

Ambry Genetics
Classification: Uncertain significance for Inborn genetic diseases. Last evaluated: 2025-08-25. Review status: criteria provided, single submitter. Criteria: Ambry Variant Classification Scheme 2023. Collection method: clinical testing. Allele origin: germline.
Comment: The p.F238L variant (also known as c.714T>G), located in coding exon 5 of the ELANE gene, results from a T to G substitution at nucleotide position 714. The phenylalanine at codon 238 is replaced by leucine, an amino acid with highly similar properties. This amino acid position is conserved. In addition, the in silico prediction for this alteration is inconclusive. Based on the available evidence, the clinical significance of this variant remains unclear.

NM_001972.4(ELANE):c.714T>G (p.Phe238Leu)

Gene: ELANE (elastase, neutrophil expressed; plus strand). Cytogenetic location: 19p13.3.
Variant type: single nucleotide variant.
Coding change: c.714T>G on transcript NM_001972.4 (MANE Select); coding-DNA position 714, T replaced by G.
Protein change: p.Phe238Leu; replaces phenylalanine 238 with leucine.
Molecular consequence: missense variant.
Genome position (GRCh38, 1-based): chr19:856,074, T>G. VCF-style: chr19-856074-T-G. GRCh37 (hg19) VCF-style: chr19-856074-T-G.
Other names: short protein forms F238L.
Identifiers: ClinVar variation 4248092 (VCV004248092.1).
Genomic context (GRCh38, chr19:856,074, plus strand): 5'-CGTCCGGGGAGGCTGCGCCTCAGGGCTCTACCCCGATGCCTTTGCCCCGGTGGCACAGTT[T>G]GTAAACTGGATCGACTCTATCATCCAACGCTCCGAGGACAACCCCTGTCCCCACCCCCGG-3'
Protein context (NP_001963.1, residues 228-248): YPDAFAPVAQ[Phe238Leu]VNWIDSIIQR